The following is an entry in ClinVar:

NC_000001.10:g.(?_100380935)_(100382063_?)del

Gene: AGL (amylo-alpha-1,6-glucosidase and 4-alpha-glucanotransferase; plus strand). Cytogenetic location: 1p21.2.
Variant type: Deletion.
Identifiers: ClinVar variation 2423340 (VCV002423340.3).

ClinVar aggregate classification (germline): Pathogenic (1 of 4 stars; one submission).

Conditions:
Glycogen storage disease type III (GSD3). Also called: FORBES DISEASE; Cori disease. Identifiers: Orphanet 366, MedGen C0017922, MONDO:0009291, OMIM 232400.

Submission:

Labcorp Genetics (formerly Invitae), Labcorp
Classification: Pathogenic for Glycogen storage disease type III. Last evaluated: 2022-08-05. Review status: criteria provided, single submitter. Criteria: Invitae Variant Classification Sherloc (09022015). Collection method: clinical testing. Allele origin: germline.
Comment: This variant is a gross deletion of the genomic region encompassing exon(s) 31-32 of the AGL gene. This variant would be expected to be in-frame, preserving the integrity of the reading frame. This variant has not been reported in the literature in individuals affected with AGL-related conditions. This variant disrupts a region of the AGL protein in which other variant(s) (p.Gly1448Arg) have been determined to be pathogenic (PMID: 10571954, 17908927, 19299494). This suggests that this is a clinically significant region of the protein, and that variants that disrupt it are likely to be disease-causing. For these reasons, this variant has been classified as Pathogenic.

Literature cited by the submitters: PubMed 10571954; PubMed 17908927; PubMed 19299494.